The following is an entry in ClinVar:

NM_001369.3(DNAH5):c.10326G>T (p.Gln3442His)

Gene: DNAH5 (dynein axonemal heavy chain 5; minus strand). Cytogenetic location: 5p15.2.
Variant type: single nucleotide variant.
Coding change: c.10326G>T on transcript NM_001369.3 (MANE Select); coding-DNA position 10326, G replaced by T.
Protein change: p.Gln3442His; replaces glutamine 3442 with histidine.
Molecular consequence: missense variant.
Genome position (GRCh38, 1-based): chr5:13,758,939, C>A on the plus strand (G>T on the coding strand, the complement: DNAH5 is on the minus strand). VCF-style: chr5-13758939-C-A. GRCh37 (hg19) VCF-style: chr5-13759048-C-A.
Other names: short protein forms Q3442H.
Identifiers: ClinVar variation 2631275 (VCV002631275.1), dbSNP rs2546631087, ClinGen allele CA359195797.
Genomic context (GRCh38, chr5:13,758,939, plus strand): 5'-CTGCACCACGTCAAGTTCCGCCTGCTTGTCATCCAACTCGGCCTGGGCTTTCTGCAGATC[C>A]TGCATGGCCAGGAGATGGCGATTCTCTTGCACCACCAAGTTGGCCTGCACAGGACACACA-3'
Protein context (NP_001360.1, residues 3432-3452): VQENRHLLAM[Gln3442His]DLQKAQAELD

ClinVar aggregate classification (germline): Uncertain significance (1 of 4 stars; one submission).

Conditions:
DNAH5-related disorder. Also called: DNAH5-related condition.

gnomAD v4.1: 2 of 1,614,178 alleles (0.00012%); highest among the groups gnomAD compares: African/African-American, 0.0027%; no homozygotes.

Submission:

PreventionGenetics, part of Exact Sciences
Classification: Uncertain significance for DNAH5-related condition. Last evaluated: 2023-08-21. Review status: criteria provided, single submitter. Criteria: ACMG Guidelines, 2015. Collection method: clinical testing. Allele origin: germline.
Comment: The DNAH5 c.10326G>T variant is predicted to result in the amino acid substitution p.Gln3442His. To our knowledge, this variant has not been reported in the literature or in a large population database, indicating this variant is rare. At this time, the clinical significance of this variant is uncertain due to the absence of conclusive functional and genetic evidence.